The following is an entry in ClinVar:

ClinVar aggregate classification (germline): Pathogenic (1 of 4 stars; one submission).

Conditions:
Transcobalamin II deficiency (TCN2D). Also called: TC II DEFICIENCY; TCN2 DEFICIENCY; Transcolabamin II deficiency. Identifiers: Orphanet 859, MedGen C0342701, MONDO:0010149, OMIM 275350.

Submission:

Labcorp Genetics (formerly Invitae), Labcorp
Classification: Pathogenic for Transcobalamin II deficiency. Last evaluated: 2023-01-09. Review status: criteria provided, single submitter. Criteria: Invitae Variant Classification Sherloc (09022015). Collection method: clinical testing. Allele origin: unknown.
Comment: This variant has not been reported in the literature in individuals affected with TCN2-related conditions. This variant is a gross deletion of the genomic region encompassing exon(s) 1 of the TCN2 gene, which includes the initiator codon. This deletion extends beyond the assayed region for this gene and therefore may encompass additional genes. It is expected to result in an absent or disrupted protein product. Loss-of-function variants in TCN2 are known to be pathogenic (PMID: 7980584, 20352340). For these reasons, this variant has been classified as Pathogenic.

Literature cited by the submitters: PubMed 7980584; PubMed 20352340.

NC_000022.10:g.(?_31003319)_(31003402_?)del

Gene: TCN2 (transcobalamin 2; plus strand). Cytogenetic location: 22q12.2.
Variant type: Deletion.
Identifiers: ClinVar variation 3247358 (VCV003247358.1).